The following is an entry in ClinVar:

NM_004525.3(LRP2):c.6954C>T (p.Asp2318=)

Gene: LRP2 (LDL receptor related protein 2; minus strand). Cytogenetic location: 2q31.1.
Variant type: single nucleotide variant.
Coding change: c.6954C>T on transcript NM_004525.3 (MANE Select); coding-DNA position 6954, C replaced by T.
Protein change: p.Asp2318=; no amino-acid change (aspartic acid 2318 retained).
Molecular consequence: synonymous variant.
Genome position (GRCh38, 1-based): chr2:169,206,766, G>A on the plus strand (C>T on the coding strand, the complement: LRP2 is on the minus strand). VCF-style: chr2-169206766-G-A. GRCh37 (hg19) VCF-style: chr2-170063276-G-A.
Identifiers: ClinVar variation 741390 (VCV000741390.16), dbSNP rs34223099, ClinGen allele CA1954191.

ClinVar aggregate classification (germline): Benign/Likely benign. Review status: criteria provided, multiple submitters, no conflicts (2 of 4 stars). 5 submissions from 5 submitters: Benign (2); Likely benign (2). 1 of the submissions does not count toward it. Last evaluated 2026-01-25.

Conditions:
Donnai-Barrow syndrome. Also called: DBS/FOAR SYNDROME; FACIOOCULOACOUSTICORENAL SYNDROME. Identifiers: Orphanet 2143, MedGen C1857277, MONDO:0009104, OMIM 222448.
LRP2-related disorder. Also called: LRP2-related condition.

Allele frequency attached by ClinVar (database versions not stated): ExAC 0.00049; gnomAD exomes 0.00049; ESP Exome Variant Server 0.00138; gnomAD 0.00148 and 0.00155; TOPMed 0.00158; 1000 Genomes Project 30x 0.00187; 1000 Genomes Project 0.00200.
gnomAD v4.1: 522 of 1,614,124 alleles (0.032%); highest among the groups gnomAD compares: African/African-American, 0.45%; 1 homozygote.

Submissions (5):

Labcorp Genetics (formerly Invitae), Labcorp
Classification: Benign. Last evaluated: 2026-01-25. Review status: criteria provided, single submitter. Criteria: Invitae Variant Classification Sherloc (09022015). Collection method: clinical testing. Allele origin: germline.

Blueprint Genetics
Classification: Likely benign. Last evaluated: 2024-08-15. Review status: criteria provided, single submitter. Criteria: ACMG Guidelines, 2015. Collection method: clinical testing. Allele origin: germline.

Fulgent Genetics
Classification: Likely benign for Donnai-Barrow syndrome. Last evaluated: 2021-07-27. Review status: criteria provided, single submitter. Criteria: ACMG Guidelines, 2015. Collection method: clinical testing. Allele origin: unknown.

Breakthrough Genomics
Classification: Benign. Review status: criteria provided, single submitter. Criteria: ACMG Guidelines, 2015. Collection method: not provided. Allele origin: germline. Inheritance: Autosomal recessive inheritance. Affected: yes.

PreventionGenetics, part of Exact Sciences
Classification: Likely benign for LRP2-related condition. Last evaluated: 2019-06-17. Review status: no assertion criteria provided. Collection method: clinical testing. Allele origin: germline. Not counted in ClinVar's aggregate classification.
Comment: This variant is classified as likely benign based on ACMG/AMP sequence variant interpretation guidelines (Richards et al. 2015 PMID: 25741868, with internal and published modifications).